The following is an entry in ClinVar:

NM_005219.5(DIAPH1):c.3146G>A (p.Arg1049Gln)

Gene: DIAPH1 (diaphanous related formin 1; minus strand). Cytogenetic location: 5q31.3.
Variant type: single nucleotide variant.
Coding change: c.3146G>A on transcript NM_005219.5 (MANE Select); coding-DNA position 3146, G replaced by A.
Protein change: p.Arg1049Gln; replaces arginine 1049 with glutamine.
Molecular consequence: missense variant.
Genome position (GRCh38, 1-based): chr5:141,528,455, C>T on the plus strand (G>A on the coding strand, the complement: DIAPH1 is on the minus strand). VCF-style: chr5-141528455-C-T. GRCh37 (hg19) VCF-style: chr5-140908022-C-T.
Other names: c.3119G>A, p.Arg1040Gln (NM_001079812.3); c.3146G>A, p.Arg1049Gln (NM_001314007.2); short protein forms R1040Q, R1049Q.
Identifiers: ClinVar variation 1946559 (VCV001946559.5), dbSNP rs755247462, ClinGen allele CA3478890.

ClinVar aggregate classification (germline): Uncertain significance (1 of 4 stars; one submission).

Conditions:
Progressive microcephaly-seizures-cortical blindness-developmental delay syndrome. Also called: Seizures, cortical blindness, and microcephaly syndrome. Identifiers: Orphanet 477814, MedGen C5567650, MONDO:0014714, OMIM 616632.
Autosomal dominant nonsyndromic hearing loss 1. Also called: KONIGSMARK SYNDROME; DEAFNESS, AUTOSOMAL DOMINANT 1, WITH OR WITHOUT THROMBOCYTOPENIA. Identifiers: Orphanet 90635, MedGen C1852282, MONDO:0007424, OMIM 124900.

Allele frequency attached by ClinVar (database versions not stated): gnomAD exomes below 0.00001; ExAC 0.00001.
gnomAD v4.1: 1 of 1,614,172 alleles (0.000062%); highest among the groups gnomAD compares: Non-Finnish European, 0.000085%; no homozygotes.

Submission:

Labcorp Genetics (formerly Invitae), Labcorp
Classification: Uncertain significance for Progressive microcephaly-seizures-cortical blindness-developmental delay syndrome; Autosomal dominant nonsyndromic hearing loss 1. Last evaluated: 2024-08-28. Review status: criteria provided, single submitter. Criteria: Invitae Variant Classification Sherloc (09022015). Collection method: clinical testing. Allele origin: germline.
Comment: This sequence change replaces arginine, which is basic and polar, with glutamine, which is neutral and polar, at codon 1049 of the DIAPH1 protein (p.Arg1049Gln). This variant is present in population databases (rs755247462, gnomAD 0.0009%). This variant has not been reported in the literature in individuals affected with DIAPH1-related conditions. ClinVar contains an entry for this variant (Variation ID: 1946559). An algorithm developed to predict the effect of missense changes on protein structure and function (PolyPhen-2) suggests that this variant is likely to be disruptive. In summary, the available evidence is currently insufficient to determine the role of this variant in disease. Therefore, it has been classified as a Variant of Uncertain Significance.